The following is an entry in ClinVar:

NM_032436.4(CHAMP1):c.1679T>C (p.Phe560Ser)

Gene: CHAMP1 (chromosome alignment maintaining phosphoprotein 1; plus strand). Cytogenetic location: 13q34.
Variant type: single nucleotide variant.
Coding change: c.1679T>C on transcript NM_032436.4 (MANE Select); coding-DNA position 1679, T replaced by C.
Protein change: p.Phe560Ser; replaces phenylalanine 560 with serine.
Molecular consequence: missense variant.
Genome position (GRCh38, 1-based): chr13:114,325,521, T>C. VCF-style: chr13-114325521-T-C. GRCh37 (hg19) VCF-style: chr13-115090996-T-C.
Other names: c.1679T>C, p.Phe560Ser (NM_001164144.3, NM_001164145.3); c.1679T>C (NM_001164145.2); short protein forms F560S.
Identifiers: ClinVar variation 2395110 (VCV002395110.4), dbSNP rs200854460, ClinGen allele CA7070862.

ClinVar aggregate classification (germline): Likely benign. Review status: criteria provided, single submitter (1 of 4 stars). 2 submissions from 2 submitters: Likely benign (1). 1 of the submissions does not count toward it. Last evaluated 2022-12-21.

Conditions:
Inborn genetic diseases. Identifiers: MedGen C0950123, MeSH D030342.
CHAMP1-related disorder. Also called: CHAMP1-related condition.

Allele frequency attached by ClinVar (database versions not stated): TOPMed 0.00008; gnomAD 0.00009; ExAC 0.00011; gnomAD exomes 0.00015; 1000 Genomes Project 30x 0.00016; 1000 Genomes Project 0.00020.
gnomAD v4.1: 226 of 1,614,130 alleles (0.014%); highest among the groups gnomAD compares: Non-Finnish European, 0.017%; no homozygotes.

Submissions (2):

Ambry Genetics
Classification: Likely benign for Inborn genetic diseases. Last evaluated: 2022-12-21. Review status: criteria provided, single submitter. Criteria: Ambry Variant Classification Scheme 2023. Collection method: clinical testing. Allele origin: germline.

PreventionGenetics, part of Exact Sciences
Classification: Likely benign for CHAMP1-related condition. Last evaluated: 2023-02-13. Review status: no assertion criteria provided. Collection method: clinical testing. Allele origin: germline. Not counted in ClinVar's aggregate classification.
Comment: This variant is classified as likely benign based on ACMG/AMP sequence variant interpretation guidelines (Richards et al. 2015 PMID: 25741868, with internal and published modifications).